The following is an entry in ClinVar:

NM_001365951.3(KIF1B):c.5290A>T (p.Thr1764Ser)

Gene: KIF1B (kinesin family member 1B; plus strand). Cytogenetic location: 1p36.22.
Variant type: single nucleotide variant.
Coding change: c.5290A>T on transcript NM_001365951.3 (MANE Select); coding-DNA position 5290, A replaced by T.
Protein change: p.Thr1764Ser; replaces threonine 1764 with serine.
Molecular consequence: missense variant.
Genome position (GRCh38, 1-based): chr1:10,375,255, A>T. VCF-style: chr1-10375255-A-T. GRCh37 (hg19) VCF-style: chr1-10435313-A-T.
Other names: c.5290A>T, p.Thr1764Ser (NM_001365952.1); c.5152A>T, p.Thr1718Ser (NM_015074.3); short protein forms T1718S, T1764S.
Identifiers: ClinVar variation 1745678 (VCV001745678.2), dbSNP rs2102363828, ClinGen allele CA338331569.

ClinVar aggregate classification (germline): Uncertain significance (1 of 4 stars; one submission).

gnomAD v4.1: 2 of 1,613,428 alleles (0.00012%); highest among the groups gnomAD compares: East Asian, 0.0022%; no homozygotes.

Submission:

Ambry Genetics
Classification: Uncertain significance. Last evaluated: 2021-11-09. Review status: criteria provided, single submitter. Criteria: Ambry Variant Classification Scheme 2023. Collection method: clinical testing. Allele origin: germline.
Comment: The p.T1718S variant (also known as c.5152A>T) is located in coding exon 45 of the KIF1B gene. The threonine at codon 1718 is replaced by serine, an amino acid with similar properties. This change occurs in the first base pair of coding exon 45. This amino acid position is well conserved in available vertebrate species. In addition, this alteration is predicted to be tolerated by in silico analysis. Since supporting evidence is limited at this time, the clinical significance of this alteration remains unclear.